The following is an entry in ClinVar:

NM_001077653.2(TBX20):c.160C>A (p.Pro54Thr)

Gene: TBX20 (T-box transcription factor 20; minus strand). Cytogenetic location: 7p14.2.
Variant type: single nucleotide variant.
Coding change: c.160C>A on transcript NM_001077653.2 (MANE Select); coding-DNA position 160, C replaced by A.
Protein change: p.Pro54Thr; replaces proline 54 with threonine.
Molecular consequence: missense variant.
Genome position (GRCh38, 1-based): chr7:35,250,171, G>T on the plus strand (C>A on the coding strand, the complement: TBX20 is on the minus strand). VCF-style: chr7-35250171-G-T. GRCh37 (hg19) VCF-style: chr7-35289783-G-T.
Other names: c.160C>A, p.Pro54Thr (NM_001166220.1); short protein forms P54T.
Identifiers: ClinVar variation 2078930 (VCV002078930.4), dbSNP rs755690552, ClinGen allele CA4217565.
Genomic context (GRCh38, chr7:35,250,171, plus strand): 5'-TGCTGCCACTGCCTCCACCAAACTCCCCATGAGCATCCAGGCTGGTCAGCTCACCCAGGG[G>T]CTGGGCACAGGACGACTTCTCCACAAATTGCTCTGGAGGTAAAGAGAATTGTGAATGACA-3'
Protein context (NP_001071121.1, residues 44-64): QFVEKSSCAQ[Pro54Thr]LGELTSLDAH

ClinVar aggregate classification (germline): Uncertain significance (1 of 4 stars; one submission).

Allele frequency attached by ClinVar (database versions not stated): TOPMed below 0.00001; gnomAD exomes below 0.00001; ExAC 0.00001; gnomAD 0.00001.
gnomAD v4.1: 3 of 1,613,976 alleles (0.00019%); highest among the groups gnomAD compares: Admixed American, 0.0033%; no homozygotes.

Submission:

Labcorp Genetics (formerly Invitae), Labcorp
Classification: Uncertain significance. Last evaluated: 2023-10-13. Review status: criteria provided, single submitter. Criteria: Invitae Variant Classification Sherloc (09022015). Collection method: clinical testing. Allele origin: germline.
Comment: This sequence change replaces proline, which is neutral and non-polar, with threonine, which is neutral and polar, at codon 54 of the TBX20 protein (p.Pro54Thr). This variant is present in population databases (rs755690552, gnomAD 0.003%). This variant has not been reported in the literature in individuals affected with TBX20-related conditions. ClinVar contains an entry for this variant (Variation ID: 2078930). An algorithm developed to predict the effect of missense changes on protein structure and function (PolyPhen-2) suggests that this variant is likely to be tolerated. In summary, the available evidence is currently insufficient to determine the role of this variant in disease. Therefore, it has been classified as a Variant of Uncertain Significance.